The following is an entry in ClinVar:

NM_000038.6(APC):c.2570G>T (p.Gly857Val)

Gene: APC (APC regulator of Wnt signaling pathway; plus strand). Cytogenetic location: 5q22.2.
Variant type: single nucleotide variant.
Coding change: c.2570G>T on transcript NM_000038.6 (MANE Select); coding-DNA position 2570, G replaced by T.
Protein change: p.Gly857Val; replaces glycine 857 with valine.
Molecular consequence: missense variant.
Genome position (GRCh38, 1-based): chr5:112,838,164, G>T. VCF-style: chr5-112838164-G-T. GRCh37 (hg19) VCF-style: chr5-112173861-G-T.
Other names: c.2570G>T, p.Gly857Val (NM_001127510.3, NM_001354895.2); c.2516G>T, p.Gly839Val (NM_001127511.3); c.2624G>T, p.Gly875Val (NM_001354896.2); c.2600G>T, p.Gly867Val (NM_001354897.2); c.2495G>T, p.Gly832Val (NM_001354898.2); c.2486G>T, p.Gly829Val (NM_001354899.2); c.2447G>T, p.Gly816Val (NM_001354900.2); c.2393G>T, p.Gly798Val (NM_001354901.2); and 5 more; short protein forms G839V, G857V, G816V, G829V, G832V, G574V, G697V, G875V.
Identifiers: ClinVar variation 469756 (VCV000469756.12), dbSNP rs1554084270, ClinGen allele CA16026965.
Genomic context (GRCh38, chr5:112,838,164, plus strand): 5'-CAAGAGGAAGCTTAGATAGTTCTCGTTCTGAAAAAGATAGAAGTTTGGAGAGAGAACGCG[G>T]AATTGGTCTAGGCAACTACCATCCAGCAACAGAAAATCCAGGAACTTCTTCAAAGCGAGG-3'
Protein context (NP_000029.2, residues 847-867): EKDRSLERER[Gly857Val]IGLGNYHPAT

ClinVar aggregate classification (germline): Uncertain significance. Review status: criteria provided, multiple submitters, no conflicts (2 of 4 stars). 4 submissions from 4 submitters: Uncertain significance (4). Last evaluated 2025-07-08.

Conditions:
Hereditary cancer-predisposing syndrome. Also called: Hereditary neoplastic syndrome; Neoplastic Syndromes, Hereditary; Tumor predisposition; Hereditary Cancer Syndrome. Identifiers: Orphanet 140162, MedGen C0027672, MeSH D009386, MONDO:0015356.
Familial adenomatous polyposis 1 (FAP1). Also called: POLYPOSIS, ADENOMATOUS INTESTINAL; FAMILIAL ADENOMATOUS POLYPOSIS 1, ATTENUATED. Identifiers: MedGen C2713442, MONDO:0021056, OMIM 175100. Disease mechanism: loss of function.

Allele frequency attached by ClinVar (database versions not stated): TOPMed below 0.00001.

Submissions (4):

Labcorp Genetics (formerly Invitae), Labcorp
Classification: Uncertain significance for Familial adenomatous polyposis 1. Last evaluated: 2025-07-08. Review status: criteria provided, single submitter. Criteria: Invitae Variant Classification Sherloc (09022015). Collection method: clinical testing. Allele origin: germline.
Comment: This sequence change replaces glycine, which is neutral and non-polar, with valine, which is neutral and non-polar, at codon 857 of the APC protein (p.Gly857Val). This variant is not present in population databases (gnomAD no frequency). This variant has not been reported in the literature in individuals affected with APC-related conditions. ClinVar contains an entry for this variant (Variation ID: 469756). Invitae Evidence Modeling of protein sequence and biophysical properties (such as structural, functional, and spatial information, amino acid conservation, physicochemical variation, residue mobility, and thermodynamic stability) indicates that this missense variant is not expected to disrupt APC protein function with a negative predictive value of 95%. RNA analysis performed to evaluate the impact of this missense change on mRNA splicing indicates it does not significantly alter splicing (internal data). In summary, the available evidence is currently insufficient to determine the role of this variant in disease. Therefore, it has been classified as a Variant of Uncertain Significance.

GeneDx
Classification: Uncertain significance. Last evaluated: 2024-06-12. Review status: criteria provided, single submitter. Criteria: GeneDx Variant Classification Process June 2021. Collection method: clinical testing. Allele origin: germline. Affected: yes.
Comment: Not observed at significant frequency in large population cohorts (gnomAD); In silico analysis indicates that this missense variant does not alter protein structure/function; Has not been previously published as pathogenic or benign to our knowledge

Ambry Genetics
Classification: Uncertain significance for Hereditary cancer-predisposing syndrome. Last evaluated: 2023-08-17. Review status: criteria provided, single submitter. Criteria: Ambry Variant Classification Scheme 2023. Collection method: clinical testing. Allele origin: germline.
Comment: The p.G857V variant (also known as c.2570G>T), located in coding exon 15 of the APC gene, results from a G to T substitution at nucleotide position 2570. The glycine at codon 857 is replaced by valine, an amino acid with dissimilar properties. This amino acid position is not well conserved in available vertebrate species. In addition, in silico predictors for this gene do not accurately predict pathogenicity. Since supporting evidence is limited at this time, the clinical significance of this alteration remains unclear.

Color Diagnostics, LLC DBA Color Health
Classification: Uncertain significance for Hereditary cancer-predisposing syndrome. Last evaluated: 2022-11-16. Review status: criteria provided, single submitter. Criteria: ACMG Guidelines, 2015. Collection method: clinical testing. Allele origin: germline.
Comment: This missense variant replaces glycine with valine at codon 857 of the APC protein. Computational prediction suggests that this variant may not impact protein structure and function (internally defined REVEL score threshold <= 0.5, PMID: 27666373). To our knowledge, functional studies have not been reported for this variant. This variant has not been reported in individuals affected with APC-related disorders in the literature. This variant has not been identified in the general population by the Genome Aggregation Database (gnomAD). The available evidence is insufficient to determine the role of this variant in disease conclusively. Therefore, this variant is classified as a Variant of Uncertain Significance.